The following is an entry in ClinVar:

ClinVar aggregate classification (germline): Uncertain significance (1 of 4 stars; one submission).

gnomAD v4.1: 4 of 1,614,222 alleles (0.00025%); highest among the groups gnomAD compares: Middle Eastern, 0.016%; no homozygotes.

Submission:

Labcorp Genetics (formerly Invitae), Labcorp
Classification: Uncertain significance. Last evaluated: 2025-03-27. Review status: criteria provided, single submitter. Criteria: Invitae Variant Classification Sherloc (09022015). Collection method: clinical testing. Allele origin: germline.
Comment: This sequence change replaces isoleucine, which is neutral and non-polar, with valine, which is neutral and non-polar, at codon 139 of the MCM4 protein (p.Ile139Val). This variant is not present in population databases (gnomAD no frequency). This variant has not been reported in the literature in individuals affected with MCM4-related conditions. An algorithm developed to predict the effect of missense changes on protein structure and function outputs the following: PolyPhen-2: "Benign". The valine amino acid residue is found in multiple mammalian species, which suggests that this missense change does not adversely affect protein function. In summary, the available evidence is currently insufficient to determine the role of this variant in disease. Therefore, it has been classified as a Variant of Uncertain Significance.

NM_182746.3(MCM4):c.415A>G (p.Ile139Val)

Gene: MCM4 (minichromosome maintenance complex component 4; plus strand). Cytogenetic location: 8q11.21.
Variant type: single nucleotide variant.
Coding change: c.415A>G on transcript NM_182746.3 (MANE Select); coding-DNA position 415, A replaced by G.
Protein change: p.Ile139Val; replaces isoleucine 139 with valine.
Molecular consequence: missense variant.
Genome position (GRCh38, 1-based): chr8:47,962,320, A>G. VCF-style: chr8-47962320-A-G. GRCh37 (hg19) VCF-style: chr8-48874880-A-G.
Other names: c.415A>G, p.Ile139Val (NM_005914.4); short protein forms I139V.
Identifiers: ClinVar variation 4716099 (VCV004716099.1).